The following is an entry in ClinVar:

ClinVar aggregate classification (germline): Benign/Likely benign. Review status: criteria provided, multiple submitters, no conflicts (2 of 4 stars). 2 submissions from 2 submitters: Benign (1); Likely benign (1). Last evaluated 2025-04-09.

Conditions:
Hereditary nonpolyposis colorectal neoplasms. Identifiers: MedGen C0009405, MeSH D003123.
Lynch syndrome 5 (LYNCH5). Also called: Hereditary non-polyposis colorectal cancer, type 5; Colorectal cancer, hereditary nonpolyposis, type 5. Identifiers: Orphanet 144, MedGen C1833477, MONDO:0013710, OMIM 614350. Disease mechanism: loss of function.

Submissions (2):

Labcorp Genetics (formerly Invitae), Labcorp
Classification: Likely benign for Hereditary nonpolyposis colorectal neoplasms. Last evaluated: 2025-04-09. Review status: criteria provided, single submitter. Criteria: Invitae Variant Classification Sherloc (09022015). Collection method: clinical testing. Allele origin: germline.

Myriad Genetics, Inc.
Classification: Benign for Lynch syndrome 5. Last evaluated: 2024-12-31. Review status: criteria provided, single submitter. Criteria: Myriad Autosomal Dominant, Autosomal Recessive and X-Linked Classification Criteria (2023). Collection method: clinical testing. Allele origin: unknown.
Comment: This variant is considered benign. This variant is a silent/synonymous amino acid change and it is not expected to impact splicing.

NM_000179.3(MSH6):c.2610A>G (p.Lys870=)

Gene: MSH6 (mutS homolog 6; plus strand). Cytogenetic location: 2p16.3.
Variant type: single nucleotide variant.
Coding change: c.2610A>G on transcript NM_000179.3 (MANE Select); coding-DNA position 2610, A replaced by G.
Protein change: p.Lys870=; no amino-acid change (lysine 870 retained).
Molecular consequence: synonymous variant.
Genome position (GRCh38, 1-based): chr2:47,800,593, A>G. VCF-style: chr2-47800593-A-G. GRCh37 (hg19) VCF-style: chr2-48027732-A-G.
Other names: c.2220A>G, p.Lys740= (NM_001281492.2); c.1704A>G, p.Lys568= (NM_001281493.2, NM_001281494.2).
Identifiers: ClinVar variation 1084551 (VCV001084551.10), dbSNP rs1342190653, ClinGen allele CA426121860.